The following is an entry in ClinVar:

NM_000094.4(COL7A1):c.4224+5G>A

Gene: COL7A1 (collagen type VII alpha 1 chain; minus strand). Cytogenetic location: 3p21.31.
Variant type: single nucleotide variant.
Coding change: c.4224+5G>A on transcript NM_000094.4 (MANE Select); 5 bases into the intron after coding-DNA position 4224, G replaced by A.
Molecular consequence: intron variant.
Genome position (GRCh38, 1-based): chr3:48,584,030, C>T on the plus strand (G>A on the coding strand, the complement: COL7A1 is on the minus strand). VCF-style: chr3-48584030-C-T. GRCh37 (hg19) VCF-style: chr3-48621463-C-T.
Identifiers: ClinVar variation 3686540 (VCV003686540.2).

ClinVar aggregate classification (germline): Uncertain significance (1 of 4 stars; one submission).

Submission:

Labcorp Genetics (formerly Invitae), Labcorp
Classification: Uncertain significance. Last evaluated: 2024-09-17. Review status: criteria provided, single submitter. Criteria: Invitae Variant Classification Sherloc (09022015). Collection method: clinical testing. Allele origin: germline.
Comment: This sequence change falls in intron 37 of the COL7A1 gene. It does not directly change the encoded amino acid sequence of the COL7A1 protein. It affects a nucleotide within the consensus splice site. This variant is not present in population databases (gnomAD no frequency). This variant has been observed in individual(s) with dominant dystrophic epidermolysis bullosa (PMID: 37556444). Variants that disrupt the consensus splice site are a relatively common cause of aberrant splicing (PMID: 17576681, 9536098). Algorithms developed to predict the effect of sequence changes on RNA splicing suggest that this variant may disrupt the consensus splice site. In summary, the available evidence is currently insufficient to determine the role of this variant in disease. Therefore, it has been classified as a Variant of Uncertain Significance.

Literature cited by the submitters: PubMed 37556444; PubMed 17576681; PubMed 9536098.